The following is an entry in ClinVar:

ClinVar aggregate classification (germline): Pathogenic (1 of 4 stars; one submission).

Conditions:
Polycystic kidney disease, adult type (PKD1). Also called: Polycystic Kidney, Autosomal Dominant; Polycystic Kidney Disease 1, Autosomal Dominant; Polycystic kidney disease 1; Polycystic kidney disease 1, severe; POLYCYSTIC KIDNEY DISEASE 1 WITH OR WITHOUT POLYCYSTIC LIVER DISEASE; POLYCYSTIC KIDNEY DISEASE, ADULT, TYPE I. Identifiers: MedGen C3149841, MONDO:0008263, OMIM 173900.

Submission:

MVZ Medizinische Genetik Mainz
Classification: Pathogenic for Polycystic kidney disease, adult type. Last evaluated: 2025-06-18. Review status: criteria provided, single submitter. Criteria: UK Practice Guidelines For Variant Classification V4 01 2020. Collection method: clinical testing. Allele origin: germline. Inheritance: Autosomal dominant inheritance. Affected: yes. Observed: 1 variant allele.
Comment: ACMG Criteria: PVS1,PM2_SUP,PP4

NM_001009944.3(PKD1):c.11851_11852del (p.Val3951fs)

Gene: PKD1 (polycystin 1, transient receptor potential channel interacting; minus strand). Cytogenetic location: 16p13.3.
Variant type: Deletion.
Coding change: c.11851_11852del on transcript NM_001009944.3 (MANE Select); coding-DNA positions 11851 to 11852, 2 bases deleted (GT; older notation c.11851_11852delGT).
Protein change: p.Val3951fs; shifts the reading frame from valine 3951.
Molecular consequence: frameshift variant.
Genome position (GRCh38, 1-based): chr16:2,091,035-2,091,036, AC deleted on the plus strand (GT on the coding strand, the reverse complement: PKD1 is on the minus strand). VCF-style (leftmost placement, unchanged base first): chr16-2091034-TAC-T. GRCh37 (hg19) VCF-style: chr16-2141035-TAC-T.
Other names: c.11848_11849del, p.Val3950fs (NM_000296.4); short protein forms V3950fs, V3951fs.
Identifiers: ClinVar variation 4072235 (VCV004072235.1).